The following is an entry in ClinVar:

ClinVar aggregate classification (germline): Uncertain significance. Review status: criteria provided, multiple submitters, no conflicts (2 of 4 stars). 6 submissions from 6 submitters: Uncertain significance (6). Last evaluated 2025-10-06.

Conditions:
Age related macular degeneration 13. Identifiers: MedGen C3809523, MONDO:0014189, OMIM 615439.
Atypical hemolytic-uremic syndrome with I factor anomaly. Also called: HEMOLYTIC UREMIC SYNDROME, ATYPICAL, SUSCEPTIBILITY TO, 3; AHUS, SUSCEPTIBILITY TO, 3. Identifiers: Orphanet 2134, MedGen C2752039, MONDO:0013041, OMIM 612923.
Factor I deficiency (CFID). Also called: Complement factor I deficiency. Identifiers: Orphanet 200418, MedGen C3463916, MONDO:0012594, OMIM 610984.
Atypical hemolytic-uremic syndrome. Identifiers: Orphanet 2134, MedGen C2931788, MONDO:0016244.

Allele frequency attached by ClinVar (database versions not stated): ExAC 0.00003; 1000 Genomes Project 30x 0.00016; 1000 Genomes Project 0.00020; ESP Exome Variant Server 0.00023.

Submissions (6):

Labcorp Genetics (formerly Invitae), Labcorp
Classification: Uncertain significance. Last evaluated: 2025-10-06. Review status: criteria provided, single submitter. Criteria: Invitae Variant Classification Sherloc (09022015). Collection method: clinical testing. Allele origin: germline.
Comment: This sequence change replaces leucine, which is neutral and non-polar, with histidine, which is basic and polar, at codon 4 of the CFI protein (p.Leu4His). This variant is present in population databases (rs374141986, gnomAD 0.05%). This missense change has been observed in individual(s) with secondary hemolytic uremic syndrome (PMID: 30982675). ClinVar contains an entry for this variant (Variation ID: 1712444). Invitae Evidence Modeling of protein sequence and biophysical properties (such as structural, functional, and spatial information, amino acid conservation, physicochemical variation, residue mobility, and thermodynamic stability) indicates that this missense variant is not expected to disrupt CFI protein function with a negative predictive value of 95%. In summary, the available evidence is currently insufficient to determine the role of this variant in disease. Therefore, it has been classified as a Variant of Uncertain Significance.

Genomenon, Inc
Classification: Uncertain significance for Atypical hemolytic-uremic syndrome. Last evaluated: 2025-09-26. Review status: criteria provided, single submitter. Criteria: Genomenon Sequence Variant Interpretation Standards - Updated. Collection method: curation. Allele origin: germline. Affected: yes.
Comment: CFI p.Leu4His (c.11T>A) is a missense variant that changes the amino acid at residue 4 from Leucine to Histidine. This variant has been observed in at least one proband affected with atypical hemolytic-uremic syndrome (PMID:30982675). It is absent or not present at a significant frequency in gnomAD. In silico models agree that this variant is not damaging. In conclusion, we classify CFI p.Leu4His (c.11T>A) as a variant of unknown significance.

Blueprint Genetics
Classification: Uncertain significance. Last evaluated: 2024-08-12. Review status: criteria provided, single submitter. Criteria: ACMG Guidelines, 2015. Collection method: clinical testing. Allele origin: germline.

Fulgent Genetics
Classification: Uncertain significance for Factor I deficiency; Atypical hemolytic-uremic syndrome with I factor anomaly; Age related macular degeneration 13. Last evaluated: 2024-05-02. Review status: criteria provided, single submitter. Criteria: ACMG Guidelines, 2015. Collection method: clinical testing. Allele origin: germline.

Genome Diagnostics Laboratory, The Hospital for Sick Children
Classification: Uncertain significance for Atypical hemolytic-uremic syndrome. Last evaluated: 2022-07-08. Review status: criteria provided, single submitter. Criteria: ACMG Guidelines, 2015. Collection method: clinical testing. Allele origin: germline.

Mayo Clinic Laboratories, Mayo Clinic
Classification: Uncertain significance. Last evaluated: 2022-04-11. Review status: criteria provided, single submitter. Criteria: ACMG Guidelines, 2015. Collection method: clinical testing. Allele origin: germline. Observed: 1 variant allele.
Comment: BP4

Literature cited by the submitters: PubMed 30982675 (cited by Labcorp Genetics (formerly Invitae), Labcorp and Genomenon, Inc).

NM_000204.5(CFI):c.11T>A (p.Leu4His)

Gene: CFI (complement factor I; minus strand). Cytogenetic location: 4q25.
Variant type: single nucleotide variant.
Coding change: c.11T>A on transcript NM_000204.5 (MANE Select); coding-DNA position 11, T replaced by A.
Protein change: p.Leu4His; replaces leucine 4 with histidine.
Molecular consequence: missense variant. On other transcripts: 5 prime UTR variant (1), non-coding transcript variant (3).
Genome position (GRCh38, 1-based): chr4:109,801,961, A>T on the plus strand (T>A on the coding strand, the complement: CFI is on the minus strand). VCF-style: chr4-109801961-A-T. GRCh37 (hg19) VCF-style: chr4-110723117-A-T.
Other names: p.Leu4His; c.11T>A, p.Leu4His (NM_001318057.2, NM_001331035.2, NM_001375278.1 and 5 more transcripts); c.-174T>A (NM_001375284.1); short protein forms L4H.
Identifiers: ClinVar variation 1712444 (VCV001712444.11), dbSNP rs374141986, ClinGen allele CA3042380.